The following is an entry in ClinVar:

NM_003482.4(KMT2D):c.4382T>C (p.Leu1461Pro)

Gene: KMT2D (lysine methyltransferase 2D; minus strand). Cytogenetic location: 12q13.12.
Variant type: single nucleotide variant.
Coding change: c.4382T>C on transcript NM_003482.4 (MANE Select); coding-DNA position 4382, T replaced by C.
Protein change: p.Leu1461Pro; replaces leucine 1461 with proline.
Molecular consequence: missense variant.
Genome position (GRCh38, 1-based): chr12:49,046,645, A>G on the plus strand (T>C on the coding strand, the complement: KMT2D is on the minus strand). VCF-style: chr12-49046645-A-G. GRCh37 (hg19) VCF-style: chr12-49440428-A-G.
Other names: short protein forms L1461P.
Identifiers: ClinVar variation 3056644 (VCV003056644.2), dbSNP rs2120610161, ClinGen allele CA384646744.
Genomic context (GRCh38, chr12:49,046,645, plus strand): 5'-CACTGAAGATCCCAGTCTCCTTACCACTTGCACTTCCAGCCGCCCTTGGGGACGGTGAGC[A>G]GTGGGGGGTCCAGGCAGTATGTGTGGTAGCTAATATCACAGTCATCACAGAGCAGCAGGC-3'
Protein context (NP_003473.3, residues 1451-1471): SYHTYCLDPP[Leu1461Pro]LTVPKGGWKC

ClinVar aggregate classification (germline): Uncertain significance (0 of 4 stars; one submission).

Conditions:
KMT2D-related disorder. Also called: KMT2D-Related Disorders.

Submission:

PreventionGenetics, part of Exact Sciences
Classification: Uncertain significance for KMT2D-related condition. Last evaluated: 2023-10-19. Review status: no assertion criteria provided. Collection method: clinical testing. Allele origin: germline.
Comment: The KMT2D c.4382T>C variant is predicted to result in the amino acid substitution p.Leu1461Pro. To our knowledge, this variant has not been reported in the literature or in a large population database, indicating this variant is rare. At this time, the clinical significance of this variant is uncertain due to the absence of conclusive functional and genetic evidence.